The following is an entry in ClinVar:

ClinVar aggregate classification (germline): Uncertain significance. Review status: criteria provided, multiple submitters, no conflicts (2 of 4 stars). 3 submissions from 2 submitters: Uncertain significance (3). Last evaluated 2022-01-13.

Conditions:
Bardet-Biedl syndrome (BBS). Identifiers: Orphanet 110, MedGen C0752166, MONDO:0015229.
Bardet-Biedl syndrome 11 (BBS11). Identifiers: Orphanet 110, MedGen C1859569, MONDO:0014439, OMIM 615988.
Sarcotubular myopathy (LGMDR8). Also called: Hutterite type of muscular dystrophy; Limb-girdle muscular dystrophy, type 2H; MUSCULAR DYSTROPHY, LIMB-GIRDLE, AUTOSOMAL RECESSIVE 8; Autosomal recessive limb-girdle muscular dystrophy type 2H. Identifiers: Orphanet 1878, MedGen C0270968, MONDO:0009683, OMIM 254110.

Allele frequency attached by ClinVar (database versions not stated): gnomAD exomes below 0.00001 and 0.00003; TOPMed below 0.00001.
gnomAD v4.1: 39 of 1,613,872 alleles (0.0024%); highest among the groups gnomAD compares: East Asian, 0.058%; no homozygotes.

Submissions (3):

Labcorp Genetics (formerly Invitae), Labcorp
Classification: Uncertain significance for Bardet-Biedl syndrome. Last evaluated: 2022-01-13. Review status: criteria provided, single submitter. Criteria: Invitae Variant Classification Sherloc (09022015). Collection method: clinical testing. Allele origin: germline.
Comment: This sequence change replaces arginine, which is basic and polar, with histidine, which is basic and polar, at codon 106 of the TRIM32 protein (p.Arg106His). This variant is present in population databases (rs760730435, gnomAD 0.006%). This variant has not been reported in the literature in individuals affected with TRIM32-related conditions. ClinVar contains an entry for this variant (Variation ID: 914267). Algorithms developed to predict the effect of missense changes on protein structure and function (SIFT, PolyPhen-2, Align-GVGD) all suggest that this variant is likely to be disruptive. In summary, the available evidence is currently insufficient to determine the role of this variant in disease. Therefore, it has been classified as a Variant of Uncertain Significance.

Illumina Laboratory Services, Illumina
Classification: Uncertain significance for Sarcotubular myopathy. Last evaluated: 2018-01-13. Review status: criteria provided, single submitter. Criteria: ICSL Variant Classification Criteria 13 December 2019. Collection method: clinical testing. Allele origin: germline.

Illumina Laboratory Services, Illumina
Classification: Uncertain significance for Bardet-Biedl syndrome 11. Last evaluated: 2018-01-13. Review status: criteria provided, single submitter. Criteria: ICSL Variant Classification Criteria 13 December 2019. Collection method: clinical testing. Allele origin: germline.

NM_012210.4(TRIM32):c.317G>A (p.Arg106His)

Genes: ASTN2 (astrotactin 2; minus strand), TRIM32 (tripartite motif containing 32; plus strand). Cytogenetic location: 9q33.1.
Variant type: single nucleotide variant.
Coding change: c.317G>A on transcript NM_012210.4 (MANE Select); coding-DNA position 317, G replaced by A.
Protein change: p.Arg106His; replaces arginine 106 with histidine.
Molecular consequence: missense variant. On other transcripts: intron variant (3).
Genome position (GRCh38, 1-based): chr9:116,698,059, G>A. VCF-style: chr9-116698059-G-A. GRCh37 (hg19) VCF-style: chr9-119460338-G-A.
Other names: c.317G>A, p.Arg106His (NM_001099679.2, NM_001379048.1, NM_001379049.1 and 1 more transcripts); c.2653+27712C>T (NM_014010.5); c.2794+27712C>T (NM_001365069.1); c.2806+27712C>T (NM_001365068.1); short protein forms R106H.
Identifiers: ClinVar variation 914267 (VCV000914267.13), dbSNP rs760730435, ClinGen allele CA198769340.